The following is an entry in ClinVar:

ClinVar aggregate classification (germline): Uncertain significance. Review status: criteria provided, multiple submitters, no conflicts (2 of 4 stars). 2 submissions from 2 submitters: Uncertain significance (2). Last evaluated 2025-12-01.

Conditions:
Inborn genetic diseases. Identifiers: MedGen C0950123, MeSH D030342.

Allele frequency attached by ClinVar (database versions not stated): gnomAD 0.00001; TOPMed 0.00001.

Submissions (2):

Labcorp Genetics (formerly Invitae), Labcorp
Classification: Uncertain significance. Last evaluated: 2025-12-01. Review status: criteria provided, single submitter. Criteria: Invitae Variant Classification Sherloc (09022015). Collection method: clinical testing. Allele origin: germline.
Comment: This sequence change replaces asparagine, which is neutral and polar, with serine, which is neutral and polar, at codon 102 of the CFI protein (p.Asn102Ser). This variant is not present in population databases (gnomAD no frequency). This variant has not been reported in the literature in individuals affected with CFI-related conditions. ClinVar contains an entry for this variant (Variation ID: 2860870). Invitae Evidence Modeling of protein sequence and biophysical properties (such as structural, functional, and spatial information, amino acid conservation, physicochemical variation, residue mobility, and thermodynamic stability) indicates that this missense variant is not expected to disrupt CFI protein function with a negative predictive value of 80%. In summary, the available evidence is currently insufficient to determine the role of this variant in disease. Therefore, it has been classified as a Variant of Uncertain Significance.

Ambry Genetics
Classification: Uncertain significance for Inborn genetic diseases. Last evaluated: 2024-05-13. Review status: criteria provided, single submitter. Criteria: Ambry Variant Classification Scheme 2023. Collection method: clinical testing. Allele origin: germline.

NM_000204.5(CFI):c.305A>G (p.Asn102Ser)

Gene: CFI (complement factor I; minus strand). Cytogenetic location: 4q25.
Variant type: single nucleotide variant.
Coding change: c.305A>G on transcript NM_000204.5 (MANE Select); coding-DNA position 305, A replaced by G.
Protein change: p.Asn102Ser; replaces asparagine 102 with serine.
Molecular consequence: missense variant. On other transcripts: non-coding transcript variant (3), intron variant (1).
Genome position (GRCh38, 1-based): chr4:109,766,577, T>C on the plus strand (A>G on the coding strand, the complement: CFI is on the minus strand). VCF-style: chr4-109766577-T-C. GRCh37 (hg19) VCF-style: chr4-110687733-T-C.
Other names: c.305A>G, p.Asn102Ser (NM_001318057.2, NM_001375278.1, NM_001375279.1 and 5 more transcripts); c.-127-4885A>G (NM_001375284.1); short protein forms N102S.
Identifiers: ClinVar variation 2860870 (VCV002860870.4), dbSNP rs1373710197, ClinGen allele CA357865010.
Genomic context (GRCh38, chr4:109,766,577, plus strand): 5'-ATATCATAGAATGACTTGAAAACTAGTCTCTTGCTACCTTCGGCTGTGCATGTTCCGTTA[T>C]TTAAAAACTTTGTCCCTGGATGAAGACATTCCAAACTCTTTTGTTGACAGTATGTTGGGA-3'
Protein context (NP_000195.3, residues 92-112): ECLHPGTKFL[Asn102Ser]NGTCTAEGKF